The following is an entry in ClinVar:

NM_006949.4(STXBP2):c.226T>G (p.Leu76Val)

Gene: STXBP2 (syntaxin binding protein 2; plus strand). Cytogenetic location: 19p13.2.
Variant type: single nucleotide variant.
Coding change: c.226T>G on transcript NM_006949.4 (MANE Select); coding-DNA position 226, T replaced by G.
Protein change: p.Leu76Val; replaces leucine 76 with valine.
Molecular consequence: missense variant. On other transcripts: non-coding transcript variant (1).
Genome position (GRCh38, 1-based): chr19:7,639,787, T>G. VCF-style: chr19-7639787-T-G. GRCh37 (hg19) VCF-style: chr19-7704673-T-G.
Other names: c.226T>G, p.Leu76Val (NM_001127396.3, NM_001272034.2); c.130T>G, p.Leu44Val (NM_001414484.1); short protein forms L44V, L76V.
Identifiers: ClinVar variation 3720656 (VCV003720656.2).

ClinVar aggregate classification (germline): Uncertain significance (1 of 4 stars; one submission).

Conditions:
Familial hemophagocytic lymphohistiocytosis 5. Also called: STXBP2-Related Familial Hemophagocytic Lymphohistiocytosis (STXBP2-fHLH). Identifiers: Orphanet 540, MedGen C2751293, MONDO:0013135, OMIM 613101.

Submission:

Labcorp Genetics (formerly Invitae), Labcorp
Classification: Uncertain significance for Familial hemophagocytic lymphohistiocytosis 5. Last evaluated: 2025-01-17. Review status: criteria provided, single submitter. Criteria: Invitae Variant Classification Sherloc (09022015). Collection method: clinical testing. Allele origin: germline.
Comment: This sequence change replaces leucine, which is neutral and non-polar, with valine, which is neutral and non-polar, at codon 76 of the STXBP2 protein (p.Leu76Val). This variant is not present in population databases (gnomAD no frequency). This variant has not been reported in the literature in individuals affected with STXBP2-related conditions. Invitae Evidence Modeling of protein sequence and biophysical properties (such as structural, functional, and spatial information, amino acid conservation, physicochemical variation, residue mobility, and thermodynamic stability) indicates that this missense variant is not expected to disrupt STXBP2 protein function with a negative predictive value of 95%. In summary, the available evidence is currently insufficient to determine the role of this variant in disease. Therefore, it has been classified as a Variant of Uncertain Significance.